The following is an entry in ClinVar:

ClinVar aggregate classification (germline): Uncertain significance (1 of 4 stars; one submission).

Conditions:
Inborn genetic diseases. Identifiers: MedGen C0950123, MeSH D030342.

Submission:

Ambry Genetics
Classification: Uncertain significance for Inborn genetic diseases. Last evaluated: 2023-08-02. Review status: criteria provided, single submitter. Criteria: Ambry Variant Classification Scheme 2023. Collection method: clinical testing. Allele origin: germline.
Comment: The p.S467G variant (also known as c.1399A>G), located in coding exon 10 of the EPAS1 gene, results from an A to G substitution at nucleotide position 1399. The serine at codon 467 is replaced by glycine, an amino acid with similar properties. This amino acid position is conserved. In addition, this alteration is predicted to be tolerated by in silico analysis. Since supporting evidence is limited at this time, the clinical significance of this alteration remains unclear.

NM_001430.5(EPAS1):c.1399A>G (p.Ser467Gly)

Gene: EPAS1 (endothelial PAS domain protein 1; plus strand). Cytogenetic location: 2p21.
Variant type: single nucleotide variant.
Coding change: c.1399A>G on transcript NM_001430.5 (MANE Select); coding-DNA position 1399, A replaced by G.
Protein change: p.Ser467Gly; replaces serine 467 with glycine.
Molecular consequence: missense variant.
Genome position (GRCh38, 1-based): chr2:46,378,043, A>G. VCF-style: chr2-46378043-A-G. GRCh37 (hg19) VCF-style: chr2-46605182-A-G.
Other names: short protein forms S467G.
Identifiers: ClinVar variation 2588633 (VCV002588633.2), dbSNP rs2546473696, ClinGen allele CA346703998.
Genomic context (GRCh38, chr2:46,378,043, plus strand): 5'-ACCCAGAGCGAGGCTGGGAGCCTGCCTGCCTTCACCGTGCCCCAGGCAGCTGCCCCGGGC[A>G]GCACCACCCCCAGTGCCACCAGCAGCAGCAGCAGCTGCTCCACGGTGAGCAGCCCTCTTA-3'
Protein context (NP_001421.2, residues 457-477): FTVPQAAAPG[Ser467Gly]TTPSATSSSS